The following is an entry in ClinVar:

ClinVar aggregate classification (germline): not provided (0 of 4 stars; one submission).

Allele frequency attached by ClinVar (database versions not stated): gnomAD 0.00001 and 0.00002; TOPMed 0.00007.
gnomAD v4.1: 32 of 1,044,644 alleles (0.0031%); highest among the groups gnomAD compares: East Asian, 0.04%; no homozygotes.

Submission:

Human Evolutionary Genetics, Institut Pasteur
No classification provided. Review status: no classification provided. Collection method: not provided. Allele origin: germline.
ClinVar note: Converted during submission from untested to not provided.

NM_000246.4(CIITA):c.2658-149G>T

Gene: CIITA (class II major histocompatibility complex transactivator; plus strand). Cytogenetic location: 16p13.13.
Variant type: single nucleotide variant.
Coding change: c.2658-149G>T on transcript NM_000246.4 (MANE Select); 149 bases into the intron before coding-DNA position 2658, G replaced by T.
Molecular consequence: intron variant.
Genome position (GRCh38, 1-based): chr16:10,908,880, G>T. VCF-style: chr16-10908880-G-T. GRCh37 (hg19) VCF-style: chr16-11002737-G-T.
Other names: c.2661-149G>T (NM_001286402.1, NM_001379332.1); c.2514-149G>T (NM_001379330.1); c.2658-149G>T (NM_001379333.1); c.2511-149G>T (NM_001379331.1); c.860-103G>T (NM_001286403.2); c.2589-149G>T (NM_001379334.1).
Identifiers: ClinVar variation 103000 (VCV000103000.2), dbSNP rs199476074, ClinGen allele CA229976.